The following is an entry in ClinVar:

ClinVar aggregate classification (germline): Conflicting classifications of pathogenicity. Review status: criteria provided, conflicting classifications (1 of 4 stars). 5 submissions from 4 submitters: Uncertain significance (4); Likely benign (1). Last evaluated 2025-04-02.

Conditions:
Cardiovascular phenotype. Identifiers: MedGen CN230736.
Hereditary cancer-predisposing syndrome. Also called: Tumor predisposition; Hereditary Cancer Syndrome; Hereditary neoplastic syndrome; Neoplastic Syndromes, Hereditary. Identifiers: Orphanet 140162, MedGen C0027672, MeSH D009386, MONDO:0015356.
Juvenile myelomonocytic leukemia (JMML). Also called: LEUKEMIA, JUVENILE MYELOMONOCYTIC, SOMATIC. Identifiers: Orphanet 86834, MedGen C0349639, MONDO:0011908, OMIM 607785, HP:0012209.
Neurofibromatosis, type 1 (NF1). Also called: VON RECKLINGHAUSEN DISEASE; NEUROFIBROMATOSIS, TYPE I, SOMATIC; Peripheral type neurofibromatosis; Neurofibromatosis, type I. Identifiers: Orphanet 636, MedGen C0027831, MONDO:0018975, OMIM 162200. Disease mechanism: loss of function.

Allele frequency attached by ClinVar (database versions not stated): gnomAD exomes below 0.00001; TOPMed below 0.00001.
gnomAD v4.1: 5 of 1,614,046 alleles (0.00031%); highest among the groups gnomAD compares: Admixed American, 0.0017%; no homozygotes.

Submissions (5):

Labcorp Genetics (formerly Invitae), Labcorp
Classification: Likely benign for Neurofibromatosis, type 1. Last evaluated: 2025-04-02. Review status: criteria provided, single submitter. Criteria: Invitae Variant Classification Sherloc (09022015). Collection method: clinical testing. Allele origin: germline.

Ambry Genetics
Classification: Uncertain significance for Cardiovascular phenotype; Hereditary cancer-predisposing syndrome. Last evaluated: 2025-01-15. Review status: criteria provided, single submitter. Criteria: Ambry Variant Classification Scheme 2023. Collection method: clinical testing. Allele origin: germline.

Baylor Genetics
Classification: Uncertain significance for Juvenile myelomonocytic leukemia. Last evaluated: 2023-10-22. Review status: criteria provided, single submitter. Criteria: ACMG Guidelines, 2015. Collection method: clinical testing. Allele origin: unknown.

Genome-Nilou Lab
Classification: Uncertain significance for Neurofibromatosis, type 1. Last evaluated: 2022-03-15. Review status: criteria provided, single submitter. Criteria: ACMG Guidelines, 2015. Collection method: clinical testing. Allele origin: germline. Affected: no.

Ambry Genetics
Classification: Uncertain significance for Hereditary cancer-predisposing syndrome. Last evaluated: 2015-08-07. Review status: criteria provided, single submitter. Criteria: Ambry Autosomal Dominant and X-Linked criteria (10/2015). Collection method: clinical testing. Allele origin: germline. Observed: 1 variant allele.
Comment: The p.R1828Q variant (also known as c.5483G>A), located in coding exon 38 of the NF1 gene, results from a G to A substitution at nucleotide position 5483. The arginine at codon 1828 is replaced by glutamine, an amino acid with highly similar properties. This variant was not reported in population based cohorts in the following databases: Database of Single Nucleotide Polymorphisms (dbSNP), NHLBI Exome Sequencing Project (ESP), and 1000 Genomes Project. In the ESP, this variant was not observed in 6503 samples (13006 alleles) with coverage at this position. <span style="font-family:arial,sans-serif; font-size:9pt">To date, this alteration has been detected with an allele frequency of approximately 0.002% (greater than 110000 alleles tested) in our clinical cohort. Based on protein <span style="font-family:arial,sans-serif; font-size:9pt">sequence alignment, <span style="font-family:arial,sans-serif; font-size:9pt">thisamino acid position is highly conserved in available vertebrate species. In addition, this alteration is predicted to be deleterious by in silico analysis.Since supporting evidence is limited at this time, the clinical significance of p.R1828Qremains unclear.

NM_001042492.3(NF1):c.5483G>A (p.Arg1828Gln)

Gene: NF1 (neurofibromin 1; plus strand). Cytogenetic location: 17q11.2.
Variant type: single nucleotide variant.
Coding change: c.5483G>A on transcript NM_001042492.3 (MANE Select); coding-DNA position 5483, G replaced by A.
Protein change: p.Arg1828Gln; replaces arginine 1828 with glutamine.
Molecular consequence: missense variant.
Genome position (GRCh38, 1-based): chr17:31,327,713, G>A. VCF-style: chr17-31327713-G-A. GRCh37 (hg19) VCF-style: chr17-29654731-G-A.
Other names: c.5420G>A, p.Arg1807Gln (NM_000267.4); short protein forms R1807Q, R1828Q.
Identifiers: ClinVar variation 233269 (VCV000233269.16), dbSNP rs876660298, ClinGen allele CA10580348.